The following is an entry in ClinVar:

NM_020320.5(RARS2):c.1241C>G (p.Thr414Ser)

Gene: RARS2 (arginyl-tRNA synthetase 2, mitochondrial; minus strand). Cytogenetic location: 6q15.
Variant type: single nucleotide variant.
Coding change: c.1241C>G on transcript NM_020320.5 (MANE Select); coding-DNA position 1241, C replaced by G.
Protein change: p.Thr414Ser; replaces threonine 414 with serine.
Molecular consequence: missense variant. On other transcripts: non-coding transcript variant (23).
Genome position (GRCh38, 1-based): chr6:87,518,888, G>C on the plus strand (C>G on the coding strand, the complement: RARS2 is on the minus strand). VCF-style: chr6-87518888-G-C. GRCh37 (hg19) VCF-style: chr6-88228606-G-C.
Other names: c.716C>G, p.Thr239Ser (NM_001318785.2, NM_001350506.2, NM_001350507.2 and 4 more transcripts); c.1241C>G, p.Thr414Ser (NM_001350505.2); short protein forms T239S, T414S.
Identifiers: ClinVar variation 2119882 (VCV002119882.4), dbSNP rs2483096265, ClinGen allele CA364923527.
Genomic context (GRCh38, chr6:87,518,888, plus strand): 5'-ATAATGAGTGCTGCGAGCCCGACCCTCTCTGCAGTCTCTTGTGGGTTCTTGAGTTCTTTA[G>C]TTGCTGAAACAGACAAAGGCAGCTATCTTTAGTCTACATGACACTGTGCCAATCATGGAT-3'
Protein context (NP_064716.2, residues 404-424): MLQNMASIKT[Thr414Ser]KELKNPQETA

ClinVar aggregate classification (germline): Uncertain significance (1 of 4 stars; one submission).

Submission:

Labcorp Genetics (formerly Invitae), Labcorp
Classification: Uncertain significance. Last evaluated: 2022-03-31. Review status: criteria provided, single submitter. Criteria: Invitae Variant Classification Sherloc (09022015). Collection method: clinical testing. Allele origin: germline.
Comment: In summary, the available evidence is currently insufficient to determine the role of this variant in disease. Therefore, it has been classified as a Variant of Uncertain Significance. Advanced modeling of protein sequence and biophysical properties (such as structural, functional, and spatial information, amino acid conservation, physicochemical variation, residue mobility, and thermodynamic stability) performed at Invitae indicates that this missense variant is not expected to disrupt RARS2 protein function. This variant has not been reported in the literature in individuals affected with RARS2-related conditions. This variant is not present in population databases (gnomAD no frequency). This sequence change replaces threonine, which is neutral and polar, with serine, which is neutral and polar, at codon 414 of the RARS2 protein (p.Thr414Ser).